The following is an entry in ClinVar:

NM_000814.6(GABRB3):c.1055A>C (p.Asp352Ala)

Gene: GABRB3 (gamma-aminobutyric acid type A receptor subunit beta3; minus strand). Cytogenetic location: 15q12.
Variant type: single nucleotide variant.
Coding change: c.1055A>C on transcript NM_000814.6 (MANE Select); coding-DNA position 1055, A replaced by C.
Protein change: p.Asp352Ala; replaces aspartic acid 352 with alanine.
Molecular consequence: missense variant.
Genome position (GRCh38, 1-based): chr15:26,560,957, T>G on the plus strand (A>C on the coding strand, the complement: GABRB3 is on the minus strand). VCF-style: chr15-26560957-T-G. GRCh37 (hg19) VCF-style: chr15-26806104-T-G.
Other names: c.800A>C, p.Asp267Ala (NM_001191320.2, NM_001278631.2); c.842A>C, p.Asp281Ala (NM_001191321.3); c.1055A>C, p.Asp352Ala (NM_021912.5); short protein forms D267A, D281A, D352A.
Identifiers: ClinVar variation 2663398 (VCV002663398.1), dbSNP rs1889959031, ClinGen allele CA391461116.

ClinVar aggregate classification (germline): Uncertain significance (1 of 4 stars; one submission).

Submission:

GeneDx
Classification: Uncertain significance. Last evaluated: 2023-05-01. Review status: criteria provided, single submitter. Criteria: GeneDx Variant Classification Process June 2021. Collection method: clinical testing. Allele origin: germline. Affected: yes.
Comment: Not observed at significant frequency in large population cohorts (gnomAD); In silico analysis supports that this missense variant does not alter protein structure/function; Has not been previously published as pathogenic or benign to our knowledge